The following is an entry in ClinVar:

NM_001369369.1(FOXN1):c.1046A>G (p.Asn349Ser)

Gene: FOXN1 (forkhead box N1; plus strand). Cytogenetic location: 17q11.2.
Variant type: single nucleotide variant.
Coding change: c.1046A>G on transcript NM_001369369.1 (MANE Select); coding-DNA position 1046, A replaced by G.
Protein change: p.Asn349Ser; replaces asparagine 349 with serine.
Molecular consequence: missense variant.
Genome position (GRCh38, 1-based): chr17:28,534,449, A>G. VCF-style: chr17-28534449-A-G. GRCh37 (hg19) VCF-style: chr17-26861467-A-G.
Other names: c.1046A>G, p.Asn349Ser (NM_003593.3); short protein forms N349S.
Identifiers: ClinVar variation 1996781 (VCV001996781.4), dbSNP rs1443474994, ClinGen allele CA398324748.
Genomic context (GRCh38, chr17:28,534,449, plus strand): 5'-TCGAGAAGGTGGAGAACAAATCAGGAAGTTCCTCCCGCAAGGGCTGCCTGTGGGCCCTCA[A>G]TCCGGCCAAGATCGACAAGATGCAAGAGGAGCTGCAAAAATGGAAGAGGAAAGATCCCAT-3'
Protein context (NP_001356298.1, residues 339-359): SSRKGCLWAL[Asn349Ser]PAKIDKMQEE

ClinVar aggregate classification (germline): Uncertain significance (1 of 4 stars; one submission).

Conditions:
T-cell immunodeficiency, congenital alopecia, and nail dystrophy. Also called: Congenital alopecia and nail dystrophy associated with severe functional T-cell immunodeficiency; Pignata Guarino syndrome. Identifiers: Orphanet 169095, MedGen C1866426, MONDO:0011132, OMIM 601705.

Allele frequency attached by ClinVar (database versions not stated): gnomAD exomes below 0.00001.
gnomAD v4.1: 2 of 1,614,190 alleles (0.00012%); highest among the groups gnomAD compares: Non-Finnish European, 0.00017%; no homozygotes.

Submission:

Labcorp Genetics (formerly Invitae), Labcorp
Classification: Uncertain significance for T-cell immunodeficiency, congenital alopecia, and nail dystrophy. Last evaluated: 2022-09-24. Review status: criteria provided, single submitter. Criteria: Invitae Variant Classification Sherloc (09022015). Collection method: clinical testing. Allele origin: germline.
Comment: Advanced modeling of protein sequence and biophysical properties (such as structural, functional, and spatial information, amino acid conservation, physicochemical variation, residue mobility, and thermodynamic stability) performed at Invitae indicates that this missense variant is not expected to disrupt FOXN1 protein function. In summary, the available evidence is currently insufficient to determine the role of this variant in disease. Therefore, it has been classified as a Variant of Uncertain Significance. This sequence change replaces asparagine, which is neutral and polar, with serine, which is neutral and polar, at codon 349 of the FOXN1 protein (p.Asn349Ser). This variant is present in population databases (no rsID available, gnomAD 0.0009%). This variant has not been reported in the literature in individuals affected with FOXN1-related conditions.